The following is an entry in ClinVar:

NM_019594.4(LRRC8A):c.2224G>C (p.Val742Leu)

Gene: LRRC8A (leucine rich repeat containing 8 VRAC subunit A; plus strand). Cytogenetic location: 9q34.11.
Variant type: single nucleotide variant.
Coding change: c.2224G>C on transcript NM_019594.4 (MANE Select); coding-DNA position 2224, G replaced by C.
Protein change: p.Val742Leu; replaces valine 742 with leucine.
Molecular consequence: missense variant.
Genome position (GRCh38, 1-based): chr9:128,916,162, G>C. VCF-style: chr9-128916162-G-C. GRCh37 (hg19) VCF-style: chr9-131678441-G-C.
Other names: c.2224G>C, p.Val742Leu (NM_001127244.2, NM_001127245.2); short protein forms V742L.
Identifiers: ClinVar variation 1035810 (VCV001035810.8), dbSNP rs759696740, ClinGen allele CA375091886.
Genomic context (GRCh38, chr9:128,916,162, plus strand): 5'-ACGCTCCCTCCGGAGCTCTTCCAGTGCCGGAAGCTGCGGGCCCTGCACCTGGGCAACAAC[G>C]TGCTGCAGTCACTGCCCTCCAGGGTGGGCGAGCTGACCAACCTGACGCAGATCGAGCTGC-3'
Protein context (NP_062540.2, residues 732-752): KLRALHLGNN[Val742Leu]LQSLPSRVGE

ClinVar aggregate classification (germline): Uncertain significance (1 of 4 stars; one submission).

Submission:

Labcorp Genetics (formerly Invitae), Labcorp
Classification: Uncertain significance. Last evaluated: 2020-10-05. Review status: criteria provided, single submitter. Criteria: Invitae Variant Classification Sherloc (09022015). Collection method: clinical testing. Allele origin: germline.
Comment: This variant is not present in population databases (ExAC no frequency). This variant has not been reported in the literature in individuals with LRRC8A-related conditions. Algorithms developed to predict the effect of missense changes on protein structure and function (SIFT, PolyPhen-2, Align-GVGD) all suggest that this variant is likely to be tolerated, but these predictions have not been confirmed by published functional studies and their clinical significance is uncertain. In summary, the available evidence is currently insufficient to determine the role of this variant in disease. Therefore, it has been classified as a Variant of Uncertain Significance. This sequence change replaces valine with leucine at codon 742 of the LRRC8A protein (p.Val742Leu). The valine residue is highly conserved and there is a small physicochemical difference between valine and leucine.